The following is an entry in ClinVar:

NM_007325.5(GRIA3):c.1501-11_1501-3del

Gene: GRIA3 (glutamate ionotropic receptor AMPA type subunit 3; plus strand). Cytogenetic location: Xq25.
Variant type: Microsatellite.
Coding change: c.1501-11_1501-3del on transcript NM_007325.5 (MANE Select); 11 bases into the intron before coding-DNA position 1501 through 3 bases into the intron before coding-DNA position 1501, 9 bases deleted (TTTTTTTTC; older notation c.1501-11_1501-3delTTTTTTTTC).
Molecular consequence: intron variant.
Genome position (GRCh38, 1-based): chrX:123,417,391-123,417,399, TTTTTTTTC deleted; deleting any 9 consecutive bases within chrX:123,417,377-123,417,399 gives the same sequence; the c. name uses the placement nearest the transcript's 3' end. VCF-style (leftmost placement, unchanged base first): chrX-123417376-GTTTTCTTTT-G. GRCh37 (hg19) VCF-style: chrX-122551227-GTTTTCTTTT-G.
Other names: c.1501-11_1501-3del (NM_000828.5); c.1501-11_1501-3del9 (NM_000828.4).
Identifiers: ClinVar variation 1925774 (VCV001925774.6), dbSNP rs766102920, ClinGen allele CA10507070.

ClinVar aggregate classification (germline): Likely benign. Review status: criteria provided, multiple submitters, no conflicts (2 of 4 stars). 2 submissions from 2 submitters: Likely benign (2). Last evaluated 2026-02-27.

Conditions:
GRIA3-related disorder. Also called: GRIA3-related condition.

Submissions (2):

PreventionGenetics, part of Exact Sciences
Classification: Likely benign for GRIA3-related condition. Last evaluated: 2026-02-27. Review status: criteria provided, single submitter. Criteria: ACMG Guidelines, 2015. Collection method: clinical testing. Allele origin: germline.
Comment: This variant is classified as likely benign based on ACMG/AMP sequence variant interpretation guidelines (Richards et al. 2015 PMID: 25741868, with internal and published modifications).

Labcorp Genetics (formerly Invitae), Labcorp
Classification: Likely benign. Last evaluated: 2025-01-19. Review status: criteria provided, single submitter. Criteria: Invitae Variant Classification Sherloc (09022015). Collection method: clinical testing. Allele origin: germline.